The following is an entry in ClinVar:

NM_032108.4(SEMA6B):c.2023del (p.Val675fs)

Gene: SEMA6B (semaphorin 6B; minus strand). Cytogenetic location: 19p13.3.
Variant type: Deletion.
Coding change: c.2023del on transcript NM_032108.4 (MANE Select); coding-DNA position 2023, one base deleted (G; older notation c.2023delG).
Protein change: p.Val675fs; shifts the reading frame from valine 675.
Molecular consequence: frameshift variant.
Genome position (GRCh38, 1-based): chr19:4,544,245, C deleted on the plus strand (G on the coding strand, the reverse complement: SEMA6B is on the minus strand); the first of 4 consecutive C bases (chr19:4,544,245-4,544,248); deleting any one gives the same sequence. VCF-style (leftmost placement, unchanged base first): chr19-4544244-AC-A. GRCh37 (hg19) VCF-style: chr19-4544256-AC-A.
Other names: short protein forms V675fs.
Identifiers: ClinVar variation 4540008 (VCV004540008.3).

ClinVar aggregate classification (germline): Pathogenic/Likely pathogenic. Review status: criteria provided, multiple submitters, no conflicts (2 of 4 stars). 2 submissions from 2 submitters: Pathogenic (1); Likely pathogenic (1). Last evaluated 2026-03-02.

Conditions:
Epilepsy, progressive myoclonic, 11. Identifiers: MedGen C5394362, MONDO:0030034, OMIM 618876.

Submissions (2):

GeneDx
Classification: Pathogenic. Last evaluated: 2026-03-02. Review status: criteria provided, single submitter. Criteria: GeneDx Variant Classification Process June 2021. Collection method: clinical testing. Allele origin: germline.
Comment: Frameshift variant predicted to result in abnormal protein length as the last 214 amino acid(s) are replaced with 9 different amino acid(s), and other similar variants have been reported in HGMD; Not observed at significant frequency in large population cohorts (gnomAD); This variant is associated with the following publications: (PMID: 35573939)

Variantyx, Inc.
Classification: Likely pathogenic for Epilepsy, progressive myoclonic, 11. Last evaluated: 2025-04-29. Review status: criteria provided, single submitter. Criteria: Variantyx Assertion Criteria 2022. Collection method: clinical testing. Allele origin: de novo. Inheritance: Autosomal dominant inheritance. Affected: yes.
Comment: This is a frameshift variant in the SEMA6B gene (OMIM: 608873). Pathogenic variants in this gene have been associated with autosomal dominant progressive myoclonic epilepsy 11. This variant likely occurred de novo in at least one affected individual reported in the published literature; however, the possibility of parental germline mosaicism cannot be excluded (PMID: 35573939) (PS2). This variant introduces a premature termination codon in exon 17 out of 17. While it is not expected to result in nonsense-mediated mRNA decay, it likely results in a truncated protein (PMID: 32169168;34017830) (PM4). This variant is absent from control populations (PM2). Based on the current evidence, this variant is classified as likely pathogenic for autosomal dominant progressive myoclonic epilepsy 11.

Literature cited by the submitters: PubMed 36873942 (cited by Variantyx, Inc.); PubMed 35573939 (cited by Variantyx, Inc.); PubMed 32169168 (cited by Variantyx, Inc.); PubMed 34218423 (cited by Variantyx, Inc.); PubMed 33798445 (cited by Variantyx, Inc.); PubMed 34092044 (cited by Variantyx, Inc.).